The following is an entry in ClinVar:

ClinVar aggregate classification (germline): Pathogenic (1 of 4 stars; one submission).

Allele frequency attached by ClinVar (database versions not stated): gnomAD exomes 0.00001.

Submission:

Labcorp Genetics (formerly Invitae), Labcorp
Classification: Pathogenic. Last evaluated: 2022-04-30. Review status: criteria provided, single submitter. Criteria: Invitae Variant Classification Sherloc (09022015). Collection method: clinical testing. Allele origin: germline.
Comment: This sequence change creates a premature translational stop signal (p.Gln415*) in the FKBP10 gene. It is expected to result in an absent or disrupted protein product. Loss-of-function variants in FKBP10 are known to be pathogenic (PMID: 22689593, 22949511). This variant is not present in population databases (gnomAD no frequency). This variant has not been reported in the literature in individuals affected with FKBP10-related conditions. Algorithms developed to predict the effect of sequence changes on RNA splicing suggest that this variant may disrupt the consensus splice site. For these reasons, this variant has been classified as Pathogenic.

Literature cited by the submitters: PubMed 22689593; PubMed 22949511.

NM_021939.4(FKBP10):c.1243C>T (p.Gln415Ter)

Gene: FKBP10 (FKBP prolyl isomerase 10; plus strand). Cytogenetic location: 17q21.2.
Variant type: single nucleotide variant.
Coding change: c.1243C>T on transcript NM_021939.4 (MANE Select); coding-DNA position 1243, C replaced by T.
Protein change: p.Gln415Ter; replaces glutamine 415 with a stop codon.
Molecular consequence: nonsense.
Genome position (GRCh38, 1-based): chr17:41,820,448, C>T. VCF-style: chr17-41820448-C-T. GRCh37 (hg19) VCF-style: chr17-39976700-C-T.
Other names: short protein forms Q415*.
Identifiers: ClinVar variation 2128922 (VCV002128922.4), dbSNP rs150072133, ClinGen allele CA399517502.